The following is an entry in ClinVar:

NM_002528.7(NTHL1):c.216G>C (p.Glu72Asp)

Gene: NTHL1 (nth like DNA glycosylase 1; minus strand). Cytogenetic location: 16p13.3.
Variant type: single nucleotide variant.
Coding change: c.216G>C on transcript NM_002528.7 (MANE Select); coding-DNA position 216, G replaced by C.
Protein change: p.Glu72Asp; replaces glutamic acid 72 with aspartic acid.
Molecular consequence: missense variant. On other transcripts: intron variant (1).
Genome position (GRCh38, 1-based): chr16:2,046,266, C>G on the plus strand (G>C on the coding strand, the complement: NTHL1 is on the minus strand). VCF-style: chr16-2046266-C-G. GRCh37 (hg19) VCF-style: chr16-2096267-C-G.
Other names: c.216G>C, p.Glu72Asp (NM_001318193.2); c.24+14G>C (NM_001318194.2); short protein forms E72D.
Identifiers: ClinVar variation 2134736 (VCV002134736.6), dbSNP rs1226069436, ClinGen allele CA394297483.

ClinVar aggregate classification (germline): Uncertain significance. Review status: criteria provided, multiple submitters, no conflicts (2 of 4 stars). 2 submissions from 2 submitters: Uncertain significance (2). Last evaluated 2025-03-04.

Submissions (2):

Center for Genomic Medicine, Rigshospitalet, Copenhagen University Hospital
Classification: Uncertain significance. Last evaluated: 2025-03-04. Review status: criteria provided, single submitter. Criteria: ACMG Guidelines, 2015. Collection method: clinical testing. Allele origin: germline.

Labcorp Genetics (formerly Invitae), Labcorp
Classification: Uncertain significance. Last evaluated: 2022-05-06. Review status: criteria provided, single submitter. Criteria: Invitae Variant Classification Sherloc (09022015). Collection method: clinical testing. Allele origin: germline.
Comment: In summary, the available evidence is currently insufficient to determine the role of this variant in disease. Therefore, it has been classified as a Variant of Uncertain Significance. Algorithms developed to predict the effect of missense changes on protein structure and function output the following: SIFT: "Not Available"; PolyPhen-2: "Benign"; Align-GVGD: "Not Available". The aspartic acid amino acid residue is found in multiple mammalian species, which suggests that this missense change does not adversely affect protein function. This variant has not been reported in the literature in individuals affected with NTHL1-related conditions. This variant is not present in population databases (gnomAD no frequency). This sequence change replaces glutamic acid, which is acidic and polar, with aspartic acid, which is acidic and polar, at codon 80 of the NTHL1 protein (p.Glu80Asp).